The following is an entry in ClinVar:

ClinVar aggregate classification (germline): Likely pathogenic (1 of 4 stars; one submission).

Conditions:
Myopathy, centronuclear, 5 (CNM5). Identifiers: Orphanet 169186, MedGen C4014814, MONDO:0014418, OMIM 615959.

Submission:

Juno Genomics, Hangzhou Juno Genomics, Inc
Classification: Likely pathogenic for Myopathy, centronuclear, 5. Review status: criteria provided, single submitter. Criteria: ACMG Guidelines, 2015. Collection method: clinical testing. Allele origin: germline.
Comment: Null variant in a gene where loss of function (LOF) is a known mechanism of disease.;Absent from controls (or at extremely low frequency if recessive) in Genome Aggregation Database.

NM_005876.5(SPEG):c.2706-2A>G

Gene: SPEG (striated muscle enriched protein kinase; plus strand). Cytogenetic location: 2q35.
Variant type: single nucleotide variant.
Coding change: c.2706-2A>G on transcript NM_005876.5 (MANE Select); the canonical splice acceptor site of the intron before coding-DNA position 2706, A replaced by G.
Molecular consequence: splice acceptor variant.
Genome position (GRCh38, 1-based): chr2:219,464,431, A>G. VCF-style: chr2-219464431-A-G. GRCh37 (hg19) VCF-style: chr2-220329153-A-G.
Other names: c.2736-2A>G (NM_001438924.1); c.2529-2A>G (NM_001438925.1); c.2424-2A>G (NM_001438926.1); c.2241-2A>G (NM_001438929.1); c.2247-2A>G (NM_001438928.1); c.2064-2A>G (NM_001438933.1); c.2184-2A>G (NM_001438931.1); c.2394-2A>G (NM_001438927.1); and 4 more.
Identifiers: ClinVar variation 5006224 (VCV005006224.2).